The following is an entry in ClinVar:

NM_000069.3(CACNA1S):c.1199A>G (p.Glu400Gly)

Gene: CACNA1S (calcium voltage-gated channel subunit alpha1 S; minus strand). Cytogenetic location: 1q32.1.
Variant type: single nucleotide variant.
Coding change: c.1199A>G on transcript NM_000069.3 (MANE Select); coding-DNA position 1199, A replaced by G.
Protein change: p.Glu400Gly; replaces glutamic acid 400 with glycine.
Molecular consequence: missense variant.
Genome position (GRCh38, 1-based): chr1:201,084,983, T>C on the plus strand (A>G on the coding strand, the complement: CACNA1S is on the minus strand). VCF-style: chr1-201084983-T-C. GRCh37 (hg19) VCF-style: chr1-201054111-T-C.
Other names: short protein forms E400G.
Identifiers: ClinVar variation 4794539 (VCV004794539.1).

ClinVar aggregate classification (germline): Uncertain significance (1 of 4 stars; one submission).

Conditions:
Hypokalemic periodic paralysis, type 1. Also called: HypoPP; Hypokalemic Periodic Paralysis Type 1 (AD). Identifiers: Orphanet 681, MedGen C3714580, MONDO:0042979, OMIM 170400.
Malignant hyperthermia, susceptibility to, 5 (MHS5). Also called: CACNA1S-Related Malignant Hyperthermia Susceptibility. Identifiers: Orphanet 423, MedGen C1866077, MONDO:0011163, OMIM 601887.

Submission:

Labcorp Genetics (formerly Invitae), Labcorp
Classification: Uncertain significance for Hypokalemic periodic paralysis, type 1; Malignant hyperthermia, susceptibility to, 5. Last evaluated: 2025-05-18. Review status: criteria provided, single submitter. Criteria: Invitae Variant Classification Sherloc (09022015). Collection method: clinical testing. Allele origin: germline.
Comment: This sequence change replaces glutamic acid, which is acidic and polar, with glycine, which is neutral and non-polar, at codon 400 of the CACNA1S protein (p.Glu400Gly). This variant is not present in population databases (gnomAD no frequency). This variant has not been reported in the literature in individuals affected with CACNA1S-related conditions. Invitae Evidence Modeling of protein sequence and biophysical properties (such as structural, functional, and spatial information, amino acid conservation, physicochemical variation, residue mobility, and thermodynamic stability) indicates that this missense variant is not expected to disrupt CACNA1S protein function with a negative predictive value of 95%. In summary, the available evidence is currently insufficient to determine the role of this variant in disease. Therefore, it has been classified as a Variant of Uncertain Significance.